The following is an entry in ClinVar:

ClinVar aggregate classification (germline): Pathogenic (1 of 4 stars; one submission).

Conditions:
Arrhythmogenic right ventricular dysplasia 8 (ARVD8). Also called: ARRHYTHMOGENIC RIGHT VENTRICULAR DYSPLASIA, FAMILIAL, 8; Arrhythmogenic Right Ventricular Dysplasia/Cardiomyopathy 8; ARRHYTHMOGENIC RIGHT VENTRICULAR CARDIOMYOPATHY 8. Identifiers: MedGen C1843896, MONDO:0011831, OMIM 607450.
Arrhythmogenic cardiomyopathy with wooly hair and keratoderma. Also called: PALMOPLANTAR KERATODERMA WITH LEFT VENTRICULAR CARDIOMYOPATHY AND WOOLLY HAIR; Carvajal syndrome; Arrhythmogenic cardiomyopathy with woolly hair and keratoderma; Dilated cardiomyopathy with woolly hair and keratoderma. Identifiers: Orphanet 65282, MedGen C1854063, MONDO:0011581, OMIM 605676.

Submission:

Labcorp Genetics (formerly Invitae), Labcorp
Classification: Pathogenic for Arrhythmogenic cardiomyopathy with wooly hair and keratoderma; Arrhythmogenic right ventricular dysplasia 8. Last evaluated: 2022-05-10. Review status: criteria provided, single submitter. Criteria: Invitae Variant Classification Sherloc (09022015). Collection method: clinical testing. Allele origin: germline.
Comment: For these reasons, this variant has been classified as Pathogenic. This variant has not been reported in the literature in individuals affected with DSP-related conditions. This variant is not present in population databases (gnomAD no frequency). This sequence change creates a premature translational stop signal (p.Leu1416Profs*33) in the DSP gene. It is expected to result in an absent or disrupted protein product. Loss-of-function variants in DSP are known to be pathogenic (PMID: 20716751, 24503780, 25227139).

Literature cited by the submitters: PubMed 20716751; PubMed 24503780; PubMed 25227139.

NM_004415.4(DSP):c.4245_4254del (p.Leu1416fs)

Gene: DSP (desmoplakin; plus strand). Cytogenetic location: 6p24.3.
Variant type: Deletion.
Coding change: c.4245_4254del on transcript NM_004415.4 (MANE Select); coding-DNA positions 4245 to 4254, 10 bases deleted (TCTAACCCAG; older notation c.4245_4254delTCTAACCCAG).
Protein change: p.Leu1416fs; shifts the reading frame from leucine 1416.
Molecular consequence: frameshift variant. On other transcripts: intron variant (2).
Genome position (GRCh38, 1-based): chr6:7,580,435-7,580,444, TCTAACCCAG deleted. VCF-style (leftmost placement, unchanged base first): chr6-7580434-CTCTAACCCAG-C. GRCh37 (hg19) VCF-style: chr6-7580667-CTCTAACCCAG-C.
Other names: c.4050+195_4050+204del (NM_001319034.2); c.3582+663_3582+672del (NM_001008844.3); short protein forms L1416fs.
Identifiers: ClinVar variation 1992739 (VCV001992739.4), dbSNP rs2533927952, ClinGen allele CA2580075433.